The following is an entry in ClinVar:

NM_000377.3(WAS):c.1453G>A (p.Asp485Asn)

Gene: WAS (WASP actin nucleation promoting factor; plus strand). Cytogenetic location: Xp11.23.
Variant type: single nucleotide variant.
Coding change: c.1453G>A on transcript NM_000377.3 (MANE Select); coding-DNA position 1453, G replaced by A.
Protein change: p.Asp485Asn; replaces aspartic acid 485 with asparagine.
Molecular consequence: missense variant.
Genome position (GRCh38, 1-based): chrX:48,689,434, G>A. VCF-style: chrX-48689434-G-A. GRCh37 (hg19) VCF-style: chrX-48547823-G-A.
Other names: short protein forms D485N.
Identifiers: ClinVar variation 418541 (VCV000418541.16), dbSNP rs1064793293, ClinGen allele CA16621420.

ClinVar aggregate classification (germline): Pathogenic. Review status: criteria provided, multiple submitters, no conflicts (2 of 4 stars). 6 submissions from 6 submitters: Pathogenic (6). Last evaluated 2025-12-11.

Conditions:
X-linked severe congenital neutropenia (SCNX). Identifiers: Orphanet 86788, MedGen C1845987, MONDO:0010294, OMIM 300299.
Thrombocytopenia 1. Also called: X-linked thrombocytopenia with normal platelets; X-Linked Thrombocytopenia (XLT); THROMBOCYTOPENIA, X-LINKED, 1. Identifiers: Orphanet 268322, Orphanet 852, MedGen C1839163, MONDO:0010743, OMIM 313900.
Wiskott-Aldrich syndrome (WAS). Also called: ALDRICH SYNDROME; IMMUNODEFICIENCY 2; Wiskott-aldrich syndrome, somatic; WISKOTT-ALDRICH SYNDROME 1. Identifiers: Orphanet 906, MedGen C0043194, MONDO:0010518, OMIM 301000.

Submissions (6):

Labcorp Genetics (formerly Invitae), Labcorp
Classification: Pathogenic for Wiskott-Aldrich syndrome; X-linked severe congenital neutropenia; Thrombocytopenia 1. Last evaluated: 2025-12-11. Review status: criteria provided, single submitter. Criteria: Invitae Variant Classification Sherloc (09022015). Collection method: clinical testing. Allele origin: germline.
Comment: This sequence change replaces aspartic acid, which is acidic and polar, with asparagine, which is neutral and polar, at codon 485 of the WAS protein (p.Asp485Asn). RNA analysis indicates that this missense change induces altered splicing and likely disrupts the C-terminus of the protein. This variant is not present in population databases (gnomAD no frequency). This missense change has been observed in individuals with Wiskott-Aldrich syndrome (PMID: 10447259, 10691337, 11298372). This variant is also known as 1487G>A. ClinVar contains an entry for this variant (Variation ID: 418541). Algorithms developed to predict the effect of variants on gene product structure and function are not available or were not evaluated for this variant. Experimental studies have shown that this missense change affects WAS function (PMID: 19817875). Variants that disrupt the consensus splice site are a relatively common cause of aberrant splicing (PMID: 17576681, 9536098). Studies have shown that this missense change results in exon skipping and introduces a new termination codon (PMID: 10447259). However the mRNA is not expected to undergo nonsense-mediated decay. For these reasons, this variant has been classified as Pathogenic.

KCCC/NGS Laboratory, Kuwait Cancer Control Center
Classification: Pathogenic for Thrombocytopenia 1. Last evaluated: 2025-12-01. Review status: criteria provided, single submitter. Criteria: ACMG Guidelines, 2015. Collection method: clinical testing. Allele origin: germline. Inheritance: Autosomal dominant inheritance. Affected: yes.
Comment: A known pathogenic variant

Victorian Clinical Genetics Services, Murdoch Childrens Research Institute
Classification: Pathogenic for Wiskott-Aldrich syndrome. Last evaluated: 2022-02-02. Review status: criteria provided, single submitter. Criteria: ACMG Guidelines, 2015. Collection method: clinical testing. Allele origin: germline. Inheritance: X-linked recessive inheritance.
Comment: Based on the classification scheme VCGS_Germline_v1.3.4, this variant is classified as Pathogenic. Following criteria are met: 0102 - Loss of function is a known mechanism of disease in this gene and is associated with severe congenital neutropenia (MIM#300299), X-linked thrombocytopenia (XLT; MIM#313900), and Wiskott-Aldrich syndrome (WAS; MIM#301000). (I) 0109 - This gene is associated with X-linked recessive disease. (I) 0115 - Variants in this gene are known to have variable expressivity. Although rare, affected female carriers have been reported with skewed X-inactivation in families where carriers are otherwise unaffected (GeneReviews, PMID: 23689198). (I) 0209 - Splice region variant proven to affect splicing of the transcript with uncertain effect on protein sequence. RNA studies have shown that this variant results in abnormal splicing and exon skipping, although evidence at the protein level is lacking (PMID: 10447259). (SP) 0251 - This variant is heterozygous. (I) 0301 - Variant is absent from gnomAD (both v2 and v3). (SP) 0604 - Variant is not located in an established domain, motif, hotspot or informative constraint region. (I) 0801 - This variant has strong previous evidence of pathogenicity in unrelated individuals. Multiple individuals with WAS or XLT have been reported with this variant (ClinVar, PMID: 10447259, 11298372, 20546529, 21185603). (SP) 1208 - Inheritance information for this variant is not currently available in this individual. (I) Legend: (SP) - Supporting pathogenic, (I) - Information, (SB) - Supporting benign

Fulgent Genetics
Classification: Pathogenic for X-linked severe congenital neutropenia; Wiskott-Aldrich syndrome; Thrombocytopenia 1. Last evaluated: 2022-01-03. Review status: criteria provided, single submitter. Criteria: ACMG Guidelines, 2015. Collection method: clinical testing. Allele origin: unknown.

Women's Health and Genetics/Laboratory Corporation of America, LabCorp
Classification: Pathogenic for Wiskott-Aldrich syndrome. Last evaluated: 2017-12-08. Review status: criteria provided, single submitter. Criteria: LabCorp Variant Classification Summary - May 2015. Collection method: clinical testing. Allele origin: germline.
Comment: Variant summary: The WAS c.1453G>A (p.Asp485Asn) variant involves the alteration of a conserved nucleotide and 3/4 in silico tools predict a damaging outcome for this variant (SNPsandGO not captured due to low reliability index). However, the variant is located at the exon-intron boundary of exon 11 and 5/5 splice prediction tools predict a significant impact on normal splicing. ESE finder predicts that this variant may eliminate ESE binding sites. Multiple functional studies have found the variant to affect splicing and cause exon splicing. This variant is absent in 174864 control chromosomes (gnomAD). Multiple publications have cited the variant in affected WAS and XLT patients including an indicated de novo event (Lemahieu_1999). In addition, a clinical diagnostic laboratory classified this variant as pathogenic. Taken together, this variant is classified as pathogenic.

GeneDx
Classification: Pathogenic. Last evaluated: 2017-02-21. Review status: criteria provided, single submitter. Criteria: GeneDx Variant Classification (06012015). Collection method: clinical testing. Allele origin: germline. Affected: yes.
Comment: The D485N variant has been published previously in association with Wiskott-Aldrich syndrome, including an apparently de novo occurrence (Lemahieu et al., 1999; Fillat et al., 2001). The variant is not observed in large population cohorts (Lek et al., 2016; 1000 Genomes Consortium et al., 2015; Exome Variant Server). D485N is a semi-conservative amino acid substitution, which may impact secondary protein structure as these residues differ in some properties. This substitution occurs at a position that is conserved across species, and in silico analysis predicts this variant is probably damaging to the protein structure/function. Functional studies have shown D485N impairs the normal function of the WAS protein (Rajmohan et al., 2009). Additionally, several in silico splice prediction models, as well as Lemahieu et al., predict that D485N abolishes the natural splice donor site for intron 11 (Lemahieu et al., 1999). Missense variants in the same codon (D485G) and in a nearby residue (I481N) have been reported in the Human Gene Mutation Database in association with Wiskott-Aldrich syndrome (Stenson et al., 2014), supporting the functional importance of this region of the protein. In summary, we consider this variant to be pathogenic.

Literature cited by the submitters: PubMed 10447259 (cited by 3 submitters); PubMed 10691337 (cited by Labcorp Genetics (formerly Invitae), Labcorp); PubMed 11298372 (cited by 3 submitters); PubMed 19817875 (cited by Labcorp Genetics (formerly Invitae), Labcorp and Women's Health and Genetics/Laboratory Corporation of America, LabCorp); PubMed 17576681 (cited by Labcorp Genetics (formerly Invitae), Labcorp); PubMed 9536098 (cited by Labcorp Genetics (formerly Invitae), Labcorp); PubMed 20546529 (cited by Victorian Clinical Genetics Services, Murdoch Childrens Research Institute); PubMed 21185603 (cited by Victorian Clinical Genetics Services, Murdoch Childrens Research Institute); PubMed 23689198 (cited by Victorian Clinical Genetics Services, Murdoch Childrens Research Institute); PubMed 21771083 (cited by Women's Health and Genetics/Laboratory Corporation of America, LabCorp); PubMed 16091449 (cited by Women's Health and Genetics/Laboratory Corporation of America, LabCorp); PubMed 20173115 (cited by Women's Health and Genetics/Laboratory Corporation of America, LabCorp).